The following is an entry in ClinVar:

ClinVar aggregate classification (germline): Uncertain significance (1 of 4 stars; one submission).

Submission:

GeneDx
Classification: Uncertain significance. Last evaluated: 2024-12-06. Review status: criteria provided, single submitter. Criteria: GeneDx Variant Classification Process June 2021. Collection method: clinical testing. Allele origin: germline. Affected: yes.
Comment: Not observed at significant frequency in large population cohorts (gnomAD); In silico analysis indicates that this missense variant does not alter protein structure/function; Has not been previously published as pathogenic or benign to our knowledge

NM_003718.5(CDK13):c.3828T>G (p.Asp1276Glu)

Gene: CDK13 (cyclin dependent kinase 13; plus strand). Cytogenetic location: 7p14.1.
Variant type: single nucleotide variant.
Coding change: c.3828T>G on transcript NM_003718.5 (MANE Select); coding-DNA position 3828, T replaced by G.
Protein change: p.Asp1276Glu; replaces aspartic acid 1276 with glutamic acid.
Molecular consequence: missense variant.
Genome position (GRCh38, 1-based): chr7:40,094,269, T>G. VCF-style: chr7-40094269-T-G. GRCh37 (hg19) VCF-style: chr7-40133868-T-G.
Other names: c.3648T>G, p.Asp1216Glu (NM_031267.4); short protein forms D1216E, D1276E.
Identifiers: ClinVar variation 3901335 (VCV003901335.1).